The following is an entry in ClinVar:

ClinVar aggregate classification (germline): Uncertain significance (1 of 4 stars; one submission).

Conditions:
Familial thoracic aortic aneurysm and aortic dissection (TAAD). Also called: Thoracic aortic aneurysms and dissections. Identifiers: Orphanet 91387, MedGen C4707243, MONDO:0019625.

Submission:

Ambry Genetics
Classification: Uncertain significance for Familial thoracic aortic aneurysm and aortic dissection. Last evaluated: 2026-06-25. Review status: criteria provided, single submitter. Criteria: Ambry Variant Classification Scheme 2023. Collection method: clinical testing. Allele origin: germline.
Comment: The p.I1868M variant (also known as c.5604T>G), located in coding exon 31 of the MYLK gene, results from a T to G substitution at nucleotide position 5604. The isoleucine at codon 1868 is replaced by methionine, an amino acid with highly similar properties. This amino acid position is conserved. In addition, this alteration is predicted to be tolerated by in silico analysis. Based on the available evidence, the clinical significance of this variant remains unclear.

NM_053025.4(MYLK):c.5604T>G (p.Ile1868Met)

Genes: MYLK (myosin light chain kinase; minus strand), MYLK-AS1 (MYLK antisense RNA 1; plus strand). Cytogenetic location: 3q21.1.
Variant type: single nucleotide variant.
Coding change: c.5604T>G on transcript NM_053025.4 (MANE Select); coding-DNA position 5604, T replaced by G.
Protein change: p.Ile1868Met; replaces isoleucine 1868 with methionine.
Molecular consequence: missense variant.
Genome position (GRCh38, 1-based): chr3:123,614,246, A>C on the plus strand (T>G on the coding strand, the complement: MYLK is on the minus strand). VCF-style: chr3-123614246-A-C. GRCh37 (hg19) VCF-style: chr3-123333093-A-C.
Other names: c.5076T>G, p.Ile1692Met (NM_001321309.2); c.321T>G, p.Ile107Met (NM_001438035.1, NM_053031.4); c.5397T>G, p.Ile1799Met (NM_053026.4); c.5451T>G, p.Ile1817Met (NM_053027.4); c.5244T>G, p.Ile1748Met (NM_053028.4); c.324T>G, p.Ile108Met (NM_053032.4); short protein forms I107M, I108M, I1748M, I1799M, I1817M, I1692M, I1868M.
Identifiers: ClinVar variation 5025197 (VCV005025197.1).
Genomic context (GRCh38, chr3:123,614,246, plus strand): 5'-AAGACTGTTGACAGCCTTGCAGGTGTACTTGGCATCGTCATCCCCGCAAACATCACTAAT[A>C]ATTAAAGAGCAGTTCCCGTCCTCATCGTAGTCTATCTGGAAGTGGCGGGACTCCCTGATT-3'
Protein context (NP_444253.3, residues 1858-1878): DYDEDGNCSL[Ile1868Met]ISDVCGDDDA